The following is an entry in ClinVar:

ClinVar aggregate classification (germline): Benign/Likely benign. Review status: criteria provided, multiple submitters, no conflicts (2 of 4 stars). 9 submissions from 9 submitters: Benign (3); Likely benign (4). 2 of the submissions do not count toward it. Last evaluated 2026-01-12.

Conditions:
BARD1-related disorder. Also called: BARD1-related condition.
Hereditary cancer-predisposing syndrome. Also called: Tumor predisposition; Hereditary Cancer Syndrome; Hereditary neoplastic syndrome; Neoplastic Syndromes, Hereditary. Identifiers: Orphanet 140162, MedGen C0027672, MeSH D009386, MONDO:0015356.
Familial cancer of breast. Also called: BREAST CANCER, FAMILIAL; Hereditary breast cancer; hereditary breast carcinoma. Identifiers: Orphanet 227535, MedGen C0346153, MONDO:0016419, OMIM 114480. Disease mechanism: loss of function.
Malignant tumor of breast. Also called: Malignant breast neoplasm; Cancer breast. Identifiers: MedGen C0006142, MONDO:0007254. Disease mechanism: loss of function.

Allele frequency attached by ClinVar (database versions not stated): gnomAD exomes 0.00006; ExAC 0.00007; gnomAD 0.00028 and 0.00029; TOPMed 0.00032; ESP Exome Variant Server 0.00046; 1000 Genomes Project 0.00060; 1000 Genomes Project 30x 0.00078.
gnomAD v4.1: 76 of 1,613,972 alleles (0.0047%); highest among the groups gnomAD compares: African/African-American, 0.083%; no homozygotes.

Submissions (9):

Labcorp Genetics (formerly Invitae), Labcorp
Classification: Benign for Familial cancer of breast. Last evaluated: 2026-01-12. Review status: criteria provided, single submitter. Criteria: Invitae Variant Classification Sherloc (09022015). Collection method: clinical testing. Allele origin: germline.

Myriad Genetics, Inc.
Classification: Benign for Familial cancer of breast. Last evaluated: 2024-07-25. Review status: criteria provided, single submitter. Criteria: Myriad Autosomal Dominant, Autosomal Recessive and X-Linked Classification Criteria (2023). Collection method: clinical testing. Allele origin: unknown.
Comment: This variant is considered benign. This variant is a silent/synonymous amino acid change and it is not expected to impact splicing.

Sema4
Classification: Likely benign for Hereditary cancer-predisposing syndrome. Last evaluated: 2021-10-08. Review status: criteria provided, single submitter. Criteria: Sema4 Curation Guidelines. Collection method: curation. Allele origin: germline.

Women's Health and Genetics/Laboratory Corporation of America, LabCorp
Classification: Likely benign. Last evaluated: 2020-12-24. Review status: criteria provided, single submitter. Criteria: LabCorp Variant Classification Summary - May 2015. Collection method: clinical testing. Allele origin: germline.

Color Diagnostics, LLC DBA Color Health
Classification: Likely benign for Hereditary cancer-predisposing syndrome. Last evaluated: 2015-10-16. Review status: criteria provided, single submitter. Criteria: ACMG Guidelines, 2015. Collection method: clinical testing. Allele origin: germline.

Ambry Genetics
Classification: Likely benign for Hereditary cancer-predisposing syndrome. Last evaluated: 2015-01-29. Review status: criteria provided, single submitter. Criteria: Ambry Variant Classification Scheme 2023. Collection method: clinical testing. Allele origin: germline.

GeneDx
Classification: Benign. Last evaluated: 2014-08-18. Review status: criteria provided, single submitter. Criteria: GeneDx Variant Classification (06012015). Collection method: clinical testing. Allele origin: germline. Affected: yes.
Comment: This variant is considered likely benign or benign based on one or more of the following criteria: it is a conservative change, it occurs at a poorly conserved position in the protein, it is predicted to be benign by multiple in silico algorithms, and/or has population frequency not consistent with disease.

PreventionGenetics, part of Exact Sciences
Classification: Likely benign for BARD1-related condition. Last evaluated: 2019-12-03. Review status: no assertion criteria provided. Collection method: clinical testing. Allele origin: germline. Not counted in ClinVar's aggregate classification.
Comment: This variant is classified as likely benign based on ACMG/AMP sequence variant interpretation guidelines (Richards et al. 2015 PMID: 25741868, with internal and published modifications).

Department of Pathology and Laboratory Medicine, Sinai Health System
Classification: Likely benign for Malignant tumor of breast. Review status: no assertion criteria provided. Collection method: clinical testing. Allele origin: unknown. Affected: yes. Study: The Canadian Open Genetics Repository (COGR). Not counted in ClinVar's aggregate classification.
Comment: The BARD1 p.Gly505= variant was not identified in the literature. The variant was identified dbSNP (rs139721211) as â€šÃ„Ãºwith likely benign alleleâ€šÃ„Ã¹ and ClinVar (interpreted as "likely benign" by Invitae and 2 others, "benign" by GeneDx and "uncertain significance" by Integrated Genetics). The variant was identified in control databases in 25 of 277,034 chromosomes at a frequency of 0.00009 (Genome Aggregation Database Feb 27, 2017). The variant was observed in the following populations: African in 20 of 24,030 chromosomes (freq: 0.0008), Other in 1 of 6452 chromosomes (freq: 0.0002), Latino in 4 of 34,390 chromosomes (freq: 0.0001); it was not observed in the European, Ashkenazi Jewish, East Asian, Finnish, and South Asian populations. The p.Gly505= variant is not expected to have clinical significance because it does not result in a change of amino acid and is not located in a known consensus splice site. The variant occurs outside of the splicing consensus sequence and in silico or computational prediction software programs (SpliceSiteFinder, MaxEntScan, NNSPLICE, GeneSplicer) do not predict a difference in splicing. In summary, based on the above information the clinical significance of this variant cannot be determined with certainty at this time although we would lean towards a more benign role for this variant. This variant is classified as likely benign.

NM_000465.4(BARD1):c.1515G>T (p.Gly505=)

Gene: BARD1 (BRCA1 associated RING domain 1; minus strand). Cytogenetic location: 2q35.
Variant type: single nucleotide variant.
Coding change: c.1515G>T on transcript NM_000465.4 (MANE Select); coding-DNA position 1515, G replaced by T.
Protein change: p.Gly505=; no amino-acid change (glycine 505 retained).
Molecular consequence: synonymous variant. On other transcripts: non-coding transcript variant (3), intron variant (3).
Genome position (GRCh38, 1-based): chr2:214,767,535, C>A on the plus strand (G>T on the coding strand, the complement: BARD1 is on the minus strand). VCF-style: chr2-214767535-C-A. GRCh37 (hg19) VCF-style: chr2-215632259-C-A.
Other names: p.G505G:GGG>GGT; c.1458G>T, p.Gly486= (NM_001282543.2); c.159-14980G>T (NM_001282548.2); c.216-14980G>T (NM_001282545.2); c.364+24762G>T (NM_001282549.2).
Identifiers: ClinVar variation 182028 (VCV000182028.25), dbSNP rs139721211, ClinGen allele CA333728.
Genomic context (GRCh38, chr2:214,767,535, plus strand): 5'-TACTTACACAGCATTTCTGGAGGCTCCATAGGAAAGTAACAGCTTGACTATATCCACATG[C>A]CCATTCTTGGCTGCATCGTGAAGTGGTGAGTCATTTTGATACCCGGTGGTGTTCACCAAT-3'
Protein context (NP_000456.2, residues 495-515): DSPLHDAAKN[Gly505=]HVDIVKLLLS